The following is an entry in ClinVar:

NM_018557.3(LRP1B):c.5310C>T (p.Ile1770=)

Gene: LRP1B (LDL receptor related protein 1B; minus strand). Cytogenetic location: 2q22.1.
Variant type: single nucleotide variant.
Coding change: c.5310C>T on transcript NM_018557.3 (MANE Select); coding-DNA position 5310, C replaced by T.
Protein change: p.Ile1770=; no amino-acid change (isoleucine 1770 retained).
Molecular consequence: synonymous variant.
Genome position (GRCh38, 1-based): chr2:140,813,706, G>A on the plus strand (C>T on the coding strand, the complement: LRP1B is on the minus strand). VCF-style: chr2-140813706-G-A. GRCh37 (hg19) VCF-style: chr2-141571275-G-A.
Identifiers: ClinVar variation 3050258 (VCV003050258.2), dbSNP rs180963536, ClinGen allele CA1894949.

ClinVar aggregate classification (germline): Likely benign (0 of 4 stars; one submission).

Conditions:
LRP1B-related disorder. Also called: LRP1B-related condition.

Allele frequency attached by ClinVar (database versions not stated): TOPMed 0.00011; 1000 Genomes Project 30x 0.00031; ESP Exome Variant Server 0.00031; 1000 Genomes Project 0.00040; ExAC 0.00082.
gnomAD v4.1: 340 of 1,612,640 alleles (0.021%); highest among the groups gnomAD compares: Non-Finnish European, 0.024%; 2 homozygotes.

Submission:

PreventionGenetics, part of Exact Sciences
Classification: Likely benign for LRP1B-related condition. Last evaluated: 2019-04-01. Review status: no assertion criteria provided. Collection method: clinical testing. Allele origin: germline.
Comment: This variant is classified as likely benign based on ACMG/AMP sequence variant interpretation guidelines (Richards et al. 2015 PMID: 25741868, with internal and published modifications).